The following is an entry in ClinVar:

NM_006662.3(SRCAP):c.7354G>A (p.Ala2452Thr)

Gene: SRCAP (Snf2 related CREBBP activator protein; plus strand). Cytogenetic location: 16p11.2.
Variant type: single nucleotide variant.
Coding change: c.7354G>A on transcript NM_006662.3 (MANE Select); coding-DNA position 7354, G replaced by A.
Protein change: p.Ala2452Thr; replaces alanine 2452 with threonine.
Molecular consequence: missense variant.
Genome position (GRCh38, 1-based): chr16:30,737,394, G>A. VCF-style: chr16-30737394-G-A. GRCh37 (hg19) VCF-style: chr16-30748715-G-A.
Other names: short protein forms A2452T.
Identifiers: ClinVar variation 3014330 (VCV003014330.3), dbSNP rs144295177, ClinGen allele CA8012467.

ClinVar aggregate classification (germline): Uncertain significance (1 of 4 stars; one submission).

Allele frequency attached by ClinVar (database versions not stated): gnomAD exomes 0.00001; ExAC 0.00004; TOPMed 0.00011; gnomAD 0.00014; ESP Exome Variant Server 0.00023.
gnomAD v4.1: 29 of 1,611,354 alleles (0.0018%); highest among the groups gnomAD compares: African/African-American, 0.039%; no homozygotes.

Submission:

Labcorp Genetics (formerly Invitae), Labcorp
Classification: Uncertain significance. Last evaluated: 2022-11-01. Review status: criteria provided, single submitter. Criteria: Invitae Variant Classification Sherloc (09022015). Collection method: clinical testing. Allele origin: germline.
Comment: In summary, the available evidence is currently insufficient to determine the role of this variant in disease. Therefore, it has been classified as a Variant of Uncertain Significance. Advanced modeling of protein sequence and biophysical properties (such as structural, functional, and spatial information, amino acid conservation, physicochemical variation, residue mobility, and thermodynamic stability) performed at Invitae indicates that this missense variant is not expected to disrupt SRCAP protein function. This variant has not been reported in the literature in individuals affected with SRCAP-related conditions. This variant is present in population databases (rs144295177, gnomAD 0.03%). This sequence change replaces alanine, which is neutral and non-polar, with threonine, which is neutral and polar, at codon 2452 of the SRCAP protein (p.Ala2452Thr).